The following is an entry in ClinVar:

ClinVar aggregate classification (germline): Pathogenic/Likely pathogenic. Review status: criteria provided, multiple submitters, no conflicts (2 of 4 stars). 4 submissions from 4 submitters: Pathogenic (1); Likely pathogenic (3). Last evaluated 2024-06-19.

Conditions:
Dilated cardiomyopathy 1G (CMD1G). Identifiers: Orphanet 154, MedGen C1858763, MONDO:0011400, OMIM 604145.
Autosomal recessive limb-girdle muscular dystrophy type 2J (LGMDR10). Also called: Limb-girdle muscular dystrophy, type 2J; MUSCULAR DYSTROPHY, LIMB-GIRDLE, AUTOSOMAL RECESSIVE 10. Identifiers: Orphanet 140922, MedGen C1837342, MONDO:0012127, OMIM 608807.
Primary familial dilated cardiomyopathy (FDC). Also called: Familial dilated cardiomyopathy; Hypokinetic dilated cardiomyopathy, familial. Identifiers: Orphanet 217607, MedGen C0340427, MONDO:0016333.
Primary dilated cardiomyopathy (DCM). Also called: Dilated Cardiomyopathy. Identifiers: Orphanet 217604, MedGen C0007193, MeSH D002311, MONDO:0005021, HP:0001644. Inheritance: Various modes of inheritance.

Submissions (4):

Labcorp Genetics (formerly Invitae), Labcorp
Classification: Likely pathogenic for Dilated cardiomyopathy 1G; Autosomal recessive limb-girdle muscular dystrophy type 2J. Last evaluated: 2024-06-19. Review status: criteria provided, single submitter. Criteria: Invitae Variant Classification Sherloc (09022015). Collection method: clinical testing. Allele origin: germline.
Comment: This sequence change creates a premature translational stop signal (p.Glu30124*) in the TTN gene. While this is not anticipated to result in nonsense mediated decay, it is expected to create a truncated TTN protein. This variant is not present in population databases (gnomAD no frequency). This premature translational stop signal has been observed in individual(s) with dilated cardiomyopathy and/or left ventricular noncompaction (PMID: 28798025, 32880476). This variant is also known as c.G85447T:p.E28483X. ClinVar contains an entry for this variant (Variation ID: 451748). This variant is located in the A band of TTN (PMID: 25589632). Truncating variants in this region are significantly overrepresented in patients affected with dilated cardiomyopathy (PMID: 25589632). Truncating variants in this region have also been reported in individuals affected with autosomal recessive centronuclear myopathy (PMID: 23975875). In summary, the currently available evidence indicates that the variant is pathogenic, but additional data are needed to prove that conclusively. Therefore, this variant has been classified as Likely Pathogenic.

GeneDx
Classification: Likely pathogenic. Last evaluated: 2023-10-24. Review status: criteria provided, single submitter. Criteria: GeneDx Variant Classification Process June 2021. Collection method: clinical testing. Allele origin: germline. Affected: yes.
Comment: Identified in patients with DCM and LV hypertrabeculation (LVHT) in published literature (PMID: 28798025, 29540472, 32880476); Not observed at significant frequency in large population cohorts (gnomAD); Nonsense variant predicted to result in protein truncation or nonsense mediated decay in a gene for which loss of function is a known mechanism of disease; This variant is associated with the following publications: (PMID: 22335739, 32880476, 28798025, 29540472)

Center for Human Genetics, University of Leuven
Classification: Pathogenic for Primary dilated cardiomyopathy. Last evaluated: 2022-12-31. Review status: criteria provided, single submitter. Criteria: ACMG Guidelines, 2015. Collection method: clinical testing. Allele origin: germline. Affected: yes.

Women's Health and Genetics/Laboratory Corporation of America, LabCorp
Classification: Likely pathogenic for Primary familial dilated cardiomyopathy. Last evaluated: 2021-10-11. Review status: criteria provided, single submitter. Criteria: LabCorp Variant Classification Summary - May 2015. Collection method: clinical testing. Allele origin: germline.
Comment: Variant summary: TTN c.82666G>T (p.Glu27556X) results in a premature termination codon, predicted to cause a truncation of the encoded protein or absence of the protein due to nonsense mediated decay, which are commonly known mechanisms for disease. Frameshift and other truncating variants in TTN are strongly associated with DCM if they are located in the exons encoding for the A-band (PMID: 22335739, PMID: 24503780) and/or are located in an exon that is highly expressed in the heart (PMID: 25589632). The variant was absent in 248466 control chromosomes. c.82666G>T has been reported in the literature in individuals affected with DCM or LVHT including in one case where segregation was reported but specific family details were not described (Miszalski-Jamka_2017, Hazebroek_2018, Verdonschot_2020). These data indicate that the variant may be associated with disease. To our knowledge, no experimental evidence demonstrating an impact on protein function has been reported. One clinical diagnostic laboratory has submitted clinical-significance assessments for this variant to ClinVar after 2014 without evidence for independent evaluation. One laboratory classified the variant as likely pathogenic. Based on the evidence outlined above, the variant was classified as likely pathogenic.

Literature cited by the submitters: PubMed 28798025 (cited by Labcorp Genetics (formerly Invitae), Labcorp and Women's Health and Genetics/Laboratory Corporation of America, LabCorp); PubMed 32880476 (cited by Labcorp Genetics (formerly Invitae), Labcorp and Women's Health and Genetics/Laboratory Corporation of America, LabCorp); PubMed 25589632 (cited by Labcorp Genetics (formerly Invitae), Labcorp); PubMed 23975875 (cited by Labcorp Genetics (formerly Invitae), Labcorp); PubMed 29377983 (cited by Center for Human Genetics, University of Leuven); PubMed 29540472 (cited by Women's Health and Genetics/Laboratory Corporation of America, LabCorp).

NM_001267550.2(TTN):c.90370G>T (p.Glu30124Ter)

Genes: TTN-AS1 (TTN antisense RNA 1; plus strand), TTN (titin; minus strand). Cytogenetic location: 2q31.2.
Variant type: single nucleotide variant.
Coding change: c.90370G>T on transcript NM_001267550.2 (MANE Select); coding-DNA position 90370, G replaced by T.
Protein change: p.Glu30124Ter; replaces glutamic acid 30124 with a stop codon.
Molecular consequence: nonsense.
Genome position (GRCh38, 1-based): chr2:178,552,530, C>A on the plus strand (G>T on the coding strand, the complement: TTN is on the minus strand). VCF-style: chr2-178552530-C-A. GRCh37 (hg19) VCF-style: chr2-179417257-C-A.
Other names: c.85447G>T, p.Glu28483Ter (NM_001256850.1); c.63175G>T, p.Glu21059Ter (NM_003319.4); c.82666G>T, p.Glu27556Ter (NM_133378.4); c.63550G>T, p.Glu21184Ter (NM_133432.3); c.63751G>T, p.Glu21251Ter (NM_133437.4); c.90370G>T (NM_001267550.1); short protein forms E28483*, E30124*, E21251*, E21059*, E21184*, E27556*.
Identifiers: ClinVar variation 451748 (VCV000451748.32), dbSNP rs1553539995, ClinGen allele CA349511395.
Genomic context (GRCh38, chr2:178,552,530, plus strand): 5'-TCACAGTGACTTGTGCCCCAGGGATATCTGACAGGTCAACTTCAGGTGTAATAATAAGTT[C>A]TTTCACTGTAATTGGCCCAATAGTGACAGGATCACTCAGTCCTTTCTCATTTTTGGCAAA-3'